The following is an entry in ClinVar:

NM_002474.3(MYH11):c.2724G>A (p.Glu908=)

Gene: MYH11 (myosin heavy chain 11; minus strand). Cytogenetic location: 16p13.11.
Variant type: single nucleotide variant.
Coding change: c.2724G>A on transcript NM_002474.3 (MANE Select); coding-DNA position 2724, G replaced by A.
Protein change: p.Glu908=; no amino-acid change (glutamic acid 908 retained).
Molecular consequence: synonymous variant.
Genome position (GRCh38, 1-based): chr16:15,741,598, C>T on the plus strand (G>A on the coding strand, the complement: MYH11 is on the minus strand). VCF-style: chr16-15741598-C-T. GRCh37 (hg19) VCF-style: chr16-15835455-C-T.
Other names: c.2745G>A, p.Glu915= (NM_001040113.2, NM_001040114.2); c.2724G>A, p.Glu908= (NM_022844.3).
Identifiers: ClinVar variation 922677 (VCV000922677.3), dbSNP rs939496859, ClinGen allele CA493790566.

ClinVar aggregate classification (germline): Likely benign. Review status: criteria provided, multiple submitters, no conflicts (2 of 4 stars). 2 submissions from 2 submitters: Likely benign (2). Last evaluated 2023-12-01.

Conditions:
Familial thoracic aortic aneurysm and aortic dissection (TAAD). Also called: Thoracic aortic aneurysms and dissections. Identifiers: Orphanet 91387, MedGen C4707243, MONDO:0019625.

Allele frequency attached by ClinVar (database versions not stated): TOPMed 0.00001.

Submissions (2):

All of Us Research Program, National Institutes of Health
Classification: Likely benign for Familial thoracic aortic aneurysm and aortic dissection. Last evaluated: 2023-12-01. Review status: criteria provided, single submitter. Criteria: ACMG Guidelines, 2015. Collection method: clinical testing. Allele origin: germline. Inheritance: Autosomal dominant inheritance. Observed: 1 variant allele, 1 heterozygote.
Comment: This study involves interpretation of variants in research participants for the purpose of population health screening. Participant phenotype was not available at the time of variant classification. Additional details can be found in publication PMID: 35346344, PMCID: PMC8962531

Color Diagnostics, LLC DBA Color Health
Classification: Likely benign for Familial thoracic aortic aneurysm and aortic dissection. Last evaluated: 2019-05-20. Review status: criteria provided, single submitter. Criteria: ACMG Guidelines, 2015. Collection method: clinical testing. Allele origin: germline.